The following is an entry in ClinVar:

NM_001972.4(ELANE):c.99C>T (p.Gly33=)

Gene: ELANE (elastase, neutrophil expressed; plus strand). Cytogenetic location: 19p13.3.
Variant type: single nucleotide variant.
Coding change: c.99C>T on transcript NM_001972.4 (MANE Select); coding-DNA position 99, C replaced by T.
Protein change: p.Gly33=; no amino-acid change (glycine 33 retained).
Molecular consequence: synonymous variant.
Genome position (GRCh38, 1-based): chr19:852,907, C>T. VCF-style: chr19-852907-C-T. GRCh37 (hg19) VCF-style: chr19-852907-C-T.
Other names: p.Gly33=; c.99C>T (LRG_57t1).
Identifiers: ClinVar variation 258502 (VCV000258502.59), dbSNP rs17216628, ClinGen allele CA9025933.

ClinVar aggregate classification (germline): Benign/Likely benign. Review status: criteria provided, multiple submitters, no conflicts (2 of 4 stars). 12 submissions from 12 submitters: Benign (8); Likely benign (4). Last evaluated 2026-01-31.

Conditions:
Neutropenia, severe congenital, 1, autosomal dominant. Identifiers: MedGen C1859966, MONDO:0042490, OMIM 202700.
Cyclical neutropenia. Also called: Cyclic Neutropenia; Cyclic hematopoiesis. Identifiers: Orphanet 2686, MedGen C0221023, MONDO:0008090, OMIM 162800, HP:0040289. Disease mechanism: loss of function.
Autoinflammatory syndrome. Identifiers: Orphanet 93665, MedGen C3890737, MONDO:0019751.
Inborn genetic diseases. Identifiers: MedGen C0950123, MeSH D030342.

Allele frequency attached by ClinVar (database versions not stated): gnomAD exomes 0.00097 and 0.00037; ExAC 0.00128; 1000 Genomes Project 0.00399; 1000 Genomes Project 30x 0.00422; gnomAD 0.00429 and 0.00463; ESP Exome Variant Server 0.00431; TOPMed 0.00445.
gnomAD v4.1: 1,186 of 1,596,370 alleles (0.074%); highest among the groups gnomAD compares: African/African-American, 1.4%; 6 homozygotes.

Submissions (12):

Labcorp Genetics (formerly Invitae), Labcorp
Classification: Benign for Neutropenia, severe congenital, 1, autosomal dominant; Cyclical neutropenia. Last evaluated: 2026-01-31. Review status: criteria provided, single submitter. Criteria: Invitae Variant Classification Sherloc (09022015). Collection method: clinical testing. Allele origin: germline.

Women's Health and Genetics/Laboratory Corporation of America, LabCorp
Classification: Benign. Last evaluated: 2026-01-23. Review status: criteria provided, single submitter. Criteria: LabCorp Variant Classification Summary - May 2015. Collection method: clinical testing. Allele origin: germline.

Mayo Clinic Laboratories, Mayo Clinic
Classification: Likely benign. Last evaluated: 2025-09-18. Review status: criteria provided, single submitter. Criteria: ACMG Guidelines, 2015. Collection method: clinical testing. Allele origin: germline. Observed: 6 variant alleles.
Comment: BS1, BP4, BP7

Blueprint Genetics
Classification: Likely benign. Last evaluated: 2024-11-25. Review status: criteria provided, single submitter. Criteria: ACMG Guidelines, 2015. Collection method: clinical testing. Allele origin: germline.

Ambry Genetics
Classification: Likely benign for Inborn genetic diseases. Last evaluated: 2024-10-02. Review status: criteria provided, single submitter. Criteria: Ambry Variant Classification Scheme 2023. Collection method: clinical testing. Allele origin: germline.

ARUP Laboratories, Molecular Genetics and Genomics, ARUP Laboratories
Classification: Benign. Last evaluated: 2024-04-19. Review status: criteria provided, single submitter. Criteria: ARUP Molecular Germline Variant Investigation Process 2024. Collection method: clinical testing. Allele origin: germline.

CeGaT Center for Human Genetics Tuebingen
Classification: Benign. Last evaluated: 2022-03-01. Review status: criteria provided, single submitter. Criteria: CeGaT Center For Human Genetics Tuebingen Variant Classification Criteria Version 2. Collection method: clinical testing. Allele origin: germline. Affected: yes. Observed: 1 variant allele.
Comment: ELANE: BS1, BS2

Genome Diagnostics Laboratory, The Hospital for Sick Children
Classification: Likely benign for Autoinflammatory syndrome. Last evaluated: 2021-10-04. Review status: criteria provided, single submitter. Criteria: ACMG Guidelines, 2015. Collection method: clinical testing. Allele origin: germline. Affected: yes.

Genetic Services Laboratory, University of Chicago
Classification: Benign. Last evaluated: 2021-05-03. Review status: criteria provided, single submitter. Criteria: ACMG Guidelines, 2015. Collection method: clinical testing. Allele origin: germline. Affected: no.

GeneDx
Classification: Benign. Last evaluated: 2015-03-03. Review status: criteria provided, single submitter. Criteria: GeneDx Variant Classification Process June 2021. Collection method: clinical testing. Allele origin: germline. Affected: yes.

Breakthrough Genomics
Classification: Benign. Review status: criteria provided, single submitter. Criteria: ACMG Guidelines, 2015. Collection method: not provided. Allele origin: germline. Inheritance: Autosomal dominant inheritance. Affected: yes.

PreventionGenetics, part of Exact Sciences
Classification: Benign. Review status: criteria provided, single submitter. Criteria: ACMG Guidelines, 2015. Collection method: clinical testing. Allele origin: germline.